The following is an entry in ClinVar:

ClinVar aggregate classification (germline): Benign/Likely benign. Review status: criteria provided, multiple submitters, no conflicts (2 of 4 stars). 8 submissions from 8 submitters: Benign (4); Likely benign (2). 2 of the submissions do not count toward it. Last evaluated 2026-02-04.

Conditions:
Severe combined immunodeficiency due to DNA-PKcs deficiency. Also called: IMMUNODEFICIENCY 26 WITH NEUROLOGIC ABNORMALITIES; Immunodeficiency 26 with or without neurologic abnormalities. Identifiers: Orphanet 317425, MedGen C4014833, MONDO:0014423, OMIM 615966.

Allele frequency attached by ClinVar (database versions not stated): 1000 Genomes Project 0.01737; 1000 Genomes Project 30x 0.01749; gnomAD 0.03054 and 0.03099; TOPMed 0.03065; ExAC 0.03247; ESP Exome Variant Server 0.03261; gnomAD exomes 0.03346 and 0.03973.
gnomAD v4.1: 62,636 of 1,604,258 alleles (3.9%); highest among the groups gnomAD compares: Middle Eastern, 5.5%; 1,589 homozygotes.

Submissions (8):

Labcorp Genetics (formerly Invitae), Labcorp
Classification: Benign for Severe combined immunodeficiency due to DNA-PKcs deficiency. Last evaluated: 2026-02-04. Review status: criteria provided, single submitter. Criteria: Invitae Variant Classification Sherloc (09022015). Collection method: clinical testing. Allele origin: germline.

Women's Health and Genetics/Laboratory Corporation of America, LabCorp
Classification: Likely benign. Last evaluated: 2026-01-21. Review status: criteria provided, single submitter. Criteria: LabCorp Variant Classification Summary - May 2015. Collection method: clinical testing. Allele origin: germline.

Blueprint Genetics
Classification: Likely benign. Last evaluated: 2024-11-27. Review status: criteria provided, single submitter. Criteria: ACMG Guidelines, 2015. Collection method: clinical testing. Allele origin: germline.

Mayo Clinic Laboratories, Mayo Clinic
Classification: Benign. Last evaluated: 2018-04-19. Review status: criteria provided, single submitter. Criteria: ACMG Guidelines, 2015. Collection method: clinical testing. Allele origin: germline. Observed: 10 variant alleles.

GeneDx
Classification: Benign. Last evaluated: 2016-01-07. Review status: criteria provided, single submitter. Criteria: GeneDx Variant Classification (06012015). Collection method: clinical testing. Allele origin: germline. Affected: yes.
Comment: This variant is considered likely benign or benign based on one or more of the following criteria: it is a conservative change, it occurs at a poorly conserved position in the protein, it is predicted to be benign by multiple in silico algorithms, and/or has population frequency not consistent with disease.

Breakthrough Genomics
Classification: Benign. Review status: criteria provided, single submitter. Criteria: ACMG Guidelines, 2015. Collection method: not provided. Allele origin: germline. Inheritance: Autosomal recessive inheritance. Affected: yes.

Genome Diagnostics Laboratory, University Medical Center Utrecht
Classification: Benign. Review status: no assertion criteria provided. Collection method: clinical testing. Allele origin: germline. Affected: yes. Study: VKGL Data-share Consensus. Not counted in ClinVar's aggregate classification.

Laboratory of Diagnostic Genome Analysis, Leiden University Medical Center (LUMC)
Classification: Likely benign. Review status: no assertion criteria provided. Collection method: clinical testing. Allele origin: germline. Affected: yes. Study: VKGL Data-share Consensus. Not counted in ClinVar's aggregate classification.

NM_006904.7(PRKDC):c.999G>A (p.Met333Ile)

Gene: PRKDC (protein kinase, DNA-activated, catalytic subunit; minus strand). Cytogenetic location: 8q11.21.
Variant type: single nucleotide variant.
Coding change: c.999G>A on transcript NM_006904.7 (MANE Select); coding-DNA position 999, G replaced by A.
Protein change: p.Met333Ile; replaces methionine 333 with isoleucine.
Molecular consequence: missense variant.
Genome position (GRCh38, 1-based): chr8:47,939,665, C>T on the plus strand (G>A on the coding strand, the complement: PRKDC is on the minus strand). VCF-style: chr8-47939665-C-T. GRCh37 (hg19) VCF-style: chr8-48852225-C-T.
Other names: p.Met333Ile; c.999G>A, p.Met333Ile (NM_001081640.2); short protein forms M333I.
Identifiers: ClinVar variation 379752 (VCV000379752.16), dbSNP rs8178017, ClinGen allele CA4741852.